The following is an entry in ClinVar:

ClinVar aggregate classification (germline): Uncertain significance (1 of 4 stars; one submission).

Conditions:
Werner syndrome (WRN). Identifiers: Orphanet 902, MedGen C0043119, MONDO:0010196, OMIM 277700.

Allele frequency attached by ClinVar (database versions not stated): gnomAD exomes below 0.00001; TOPMed below 0.00001; ExAC 0.00001.
gnomAD v4.1: 1 of 1,612,558 alleles (0.000062%); highest among the groups gnomAD compares: Admixed American, 0.0017%; no homozygotes.

Submission:

Labcorp Genetics (formerly Invitae), Labcorp
Classification: Uncertain significance for Werner syndrome. Last evaluated: 2023-02-02. Review status: criteria provided, single submitter. Criteria: Invitae Variant Classification Sherloc (09022015). Collection method: clinical testing. Allele origin: germline.
Comment: This sequence change replaces lysine, which is basic and polar, with glutamic acid, which is acidic and polar, at codon 901 of the WRN protein (p.Lys901Glu). An algorithm developed to predict the effect of missense changes on protein structure and function (PolyPhen-2) suggests that this variant is likely to be tolerated. Algorithms developed to predict the effect of sequence changes on RNA splicing suggest that this variant may create or strengthen a splice site. In summary, the available evidence is currently insufficient to determine the role of this variant in disease. Therefore, it has been classified as a Variant of Uncertain Significance. This variant is present in population databases (rs750264937, gnomAD 0.003%). This variant has not been reported in the literature in individuals affected with WRN-related conditions.

NM_000553.6(WRN):c.2701A>G (p.Lys901Glu)

Gene: WRN (WRN RecQ like helicase; plus strand). Cytogenetic location: 8p12.
Variant type: single nucleotide variant.
Coding change: c.2701A>G on transcript NM_000553.6 (MANE Select); coding-DNA position 2701, A replaced by G.
Protein change: p.Lys901Glu; replaces lysine 901 with glutamic acid.
Molecular consequence: missense variant.
Genome position (GRCh38, 1-based): chr8:31,124,592, A>G. VCF-style: chr8-31124592-A-G. GRCh37 (hg19) VCF-style: chr8-30982108-A-G.
Other names: short protein forms K901E.
Identifiers: ClinVar variation 2959322 (VCV002959322.3), dbSNP rs750264937, ClinGen allele CA4704818.
Genomic context (GRCh38, chr8:31,124,592, plus strand): 5'-ACTGAGATACGTAATGAGAAGTTTCGATTATACAAATTAAAGATGATGGCAAAGATGGAA[A>G]AATATCTTCATTCTAGCAGATGTAGGAGACAGTATGTATTATTTATTTTATGCCAATAGT-3'
Protein context (NP_000544.2, residues 891-911): YKLKMMAKME[Lys901Glu]YLHSSRCRRQ